The following is an entry in ClinVar:

ClinVar aggregate classification (germline): Pathogenic/Likely pathogenic. Review status: criteria provided, multiple submitters, no conflicts (2 of 4 stars). 2 submissions from 2 submitters: Pathogenic (1); Likely pathogenic (1). Last evaluated 2023-09-19.

Conditions:
Rhizomelic chondrodysplasia punctata type 1 (RCDP1). Also called: PEROXISOME BIOGENESIS DISORDER 9; CHONDRODYSTROPHIA CALCIFICANS PUNCTATA; PEX7-Related Rhizomelic Chondrodysplasia Punctata. Identifiers: Orphanet 177, Orphanet 309789, MedGen C1859133, MONDO:0008972, OMIM 215100. Disease mechanism: loss of function.
Peroxisome biogenesis disorder 9B. Also called: PEROXISOME BIOGENESIS DISORDER, PEX7-RELATED, ATYPICAL; PEX7-Related Refsum Disease; Refsum disease, adult, 2. Identifiers: Orphanet 773, MedGen C2749346, MONDO:0013945, OMIM 614879.

Allele frequency attached by ClinVar (database versions not stated): gnomAD 0.00001; gnomAD exomes 0.00001; TOPMed 0.00001; ExAC 0.00002.
gnomAD v4.1: 2 of 1,613,914 alleles (0.00012%); highest among the groups gnomAD compares: African/African-American, 0.0027%; no homozygotes.

Submissions (2):

Labcorp Genetics (formerly Invitae), Labcorp
Classification: Pathogenic for Peroxisome biogenesis disorder 9B. Last evaluated: 2023-09-19. Review status: criteria provided, single submitter. Criteria: Invitae Variant Classification Sherloc (09022015). Collection method: clinical testing. Allele origin: germline.
Comment: This sequence change creates a premature translational stop signal (p.Gln198*) in the PEX7 gene. It is expected to result in an absent or disrupted protein product. Loss-of-function variants in PEX7 are known to be pathogenic (PMID: 12325024, 12522768, 20301447). For these reasons, this variant has been classified as Pathogenic. Algorithms developed to predict the effect of sequence changes on RNA splicing suggest that this variant may disrupt the consensus splice site. ClinVar contains an entry for this variant (Variation ID: 813366). This variant has not been reported in the literature in individuals affected with PEX7-related conditions. This variant is present in population databases (rs764924345, gnomAD 0.01%).

Baylor Genetics
Classification: Likely pathogenic for Rhizomelic chondrodysplasia punctata type 1. Review status: criteria provided, single submitter. Criteria: ACMG Guidelines, 2015. Collection method: clinical testing. Allele origin: germline.

Literature cited by the submitters: PubMed 12325024 (cited by Labcorp Genetics (formerly Invitae), Labcorp); PubMed 12522768 (cited by Labcorp Genetics (formerly Invitae), Labcorp); PubMed 20301447 (cited by Labcorp Genetics (formerly Invitae), Labcorp).

NM_000288.4(PEX7):c.592C>T (p.Gln198Ter)

Gene: PEX7 (peroxisomal biogenesis factor 7; plus strand). Cytogenetic location: 6q23.3.
Variant type: single nucleotide variant.
Coding change: c.592C>T on transcript NM_000288.4 (MANE Select); coding-DNA position 592, C replaced by T.
Protein change: p.Gln198Ter; replaces glutamine 198 with a stop codon.
Molecular consequence: nonsense.
Genome position (GRCh38, 1-based): chr6:136,866,692, C>T. VCF-style: chr6-136866692-C-T. GRCh37 (hg19) VCF-style: chr6-137187830-C-T.
Other names: short protein forms Q198*.
Identifiers: ClinVar variation 813366 (VCV000813366.8), dbSNP rs764924345, ClinGen allele CA4017662.